The following is an entry in ClinVar:

NM_144999.4(LRRC45):c.1132G>A (p.Glu378Lys)

Gene: LRRC45 (leucine rich repeat containing 45; plus strand). Cytogenetic location: 17q25.3.
Variant type: single nucleotide variant.
Coding change: c.1132G>A on transcript NM_144999.4 (MANE Select); coding-DNA position 1132, G replaced by A.
Protein change: p.Glu378Lys; replaces glutamic acid 378 with lysine.
Molecular consequence: missense variant.
Genome position (GRCh38, 1-based): chr17:82,028,403, G>A. VCF-style: chr17-82028403-G-A. GRCh37 (hg19) VCF-style: chr17-79986279-G-A.
Other names: c.1132G>A (NM_144999.3); short protein forms E378K.
Identifiers: ClinVar variation 3120724 (VCV003120724.2), dbSNP rs542227613, ClinGen allele CA8847948.

ClinVar aggregate classification (germline): Uncertain significance. Review status: criteria provided, multiple submitters, no conflicts (2 of 4 stars). 2 submissions from 2 submitters: Uncertain significance (2). Last evaluated 2026-04-09.

Conditions:
LRRC45-related disorder. Also called: LRRC45-related condition.

Allele frequency attached by ClinVar (database versions not stated): gnomAD 0.00002; gnomAD exomes 0.00002; TOPMed 0.00002; ExAC 0.00003; 1000 Genomes Project 0.00020; 1000 Genomes Project 30x 0.00031.
gnomAD v4.1: 26 of 1,612,628 alleles (0.0016%); highest among the groups gnomAD compares: Admixed American, 0.023%; no homozygotes.

Submissions (2):

PreventionGenetics, part of Exact Sciences
Classification: Uncertain significance for LRRC45-related condition. Last evaluated: 2026-04-09. Review status: criteria provided, single submitter. Criteria: ACMG Guidelines, 2015. Collection method: clinical testing. Allele origin: germline.
Comment: The LRRC45 c.1132G>A variant is predicted to result in the amino acid substitution p.Glu378Lys. To our knowledge, this variant has not been reported in the literature. This variant is reported in 0.020% of alleles in individuals of Latino descent in gnomAD. At this time, the clinical significance of this variant is uncertain due to the absence of conclusive functional and genetic evidence.

Ambry Genetics
Classification: Uncertain significance. Last evaluated: 2024-03-07. Review status: criteria provided, single submitter. Criteria: Ambry Variant Classification Scheme 2023. Collection method: clinical testing. Allele origin: germline.